The following is an entry in ClinVar:

NM_002471.4(MYH6):c.5718T>A (p.Asp1906Glu)

Gene: MYH6 (myosin heavy chain 6; minus strand). Cytogenetic location: 14q11.2.
Variant type: single nucleotide variant.
Coding change: c.5718T>A on transcript NM_002471.4 (MANE Select); coding-DNA position 5718, T replaced by A.
Protein change: p.Asp1906Glu; replaces aspartic acid 1906 with glutamic acid.
Molecular consequence: missense variant.
Genome position (GRCh38, 1-based): chr14:23,382,506, A>T on the plus strand (T>A on the coding strand, the complement: MYH6 is on the minus strand). VCF-style: chr14-23382506-A-T. GRCh37 (hg19) VCF-style: chr14-23851715-A-T.
Other names: short protein forms D1906E.
Identifiers: ClinVar variation 3876440 (VCV003876440.1).

ClinVar aggregate classification (germline): Uncertain significance (1 of 4 stars; one submission).

Conditions:
Cardiovascular phenotype. Identifiers: MedGen CN230736.

Submission:

Ambry Genetics
Classification: Uncertain significance for Cardiovascular phenotype. Last evaluated: 2025-01-06. Review status: criteria provided, single submitter. Criteria: Ambry Variant Classification Scheme 2023. Collection method: clinical testing. Allele origin: germline.
Comment: The p.D1906E variant (also known as c.5718T>A), located in coding exon 36 of the MYH6 gene, results from a T to A substitution at nucleotide position 5718. The aspartic acid at codon 1906 is replaced by glutamic acid, an amino acid with highly similar properties. This amino acid position is conserved. In addition, this alteration is predicted to be tolerated by in silico analysis. Based on the available evidence, the clinical significance of this variant remains unclear.